The following is an entry in ClinVar:

ClinVar aggregate classification (germline): Likely pathogenic (1 of 4 stars; one submission).

Conditions:
Polycystic kidney disease 4 (PKD4). Also called: POLYCYSTIC KIDNEY AND HEPATIC DISEASE 1; POLYCYSTIC KIDNEY DISEASE, INFANTILE, TYPE I; POLYCYSTIC KIDNEY DISEASE 4 WITH OR WITHOUT POLYCYSTIC LIVER DISEASE; PKD3; Autosomal Recessive Polycystic Kidney Disease – PKHD1. Identifiers: MedGen C4540575, MONDO:0033004, OMIM 263200.

Submission:

Myriad Genetics, Inc.
Classification: Likely pathogenic for Polycystic kidney disease 4. Last evaluated: 2022-03-14. Review status: criteria provided, single submitter. Criteria: Myriad Women's Health Autosomal Recessive and X-Linked Classification Criteria (2021). Collection method: clinical testing. Allele origin: unknown.
Comment: NM_138694.3(PKHD1):c.6319_6321delAAGinsT(K2107Ffs*40) is expected to be pathogenic in the context of autosomal recessive polycystic kidney disease, PKHD1-related. This variant is predicted to lead to an abnormal or absent protein product due to the creation of a premature termination codon in PKHD1, a gene where loss-of-function variants are known to be pathogenic. Please note: this variant was assessed in the context of healthy population screening.

NM_138694.4(PKHD1):c.6319_6321delinsT (p.Lys2107fs)

Gene: PKHD1 (PKHD1 ciliary IPT domain containing fibrocystin/polyductin; minus strand). Cytogenetic location: 6p12.2.
Variant type: Indel.
Coding change: c.6319_6321delinsT on transcript NM_138694.4 (MANE Select); coding-DNA positions 6319 to 6321, AAG replaced by T.
Protein change: p.Lys2107fs; shifts the reading frame from lysine 2107.
Molecular consequence: frameshift variant.
Genome position (GRCh38, 1-based): chr6:51,912,377-51,912,379, CTT replaced by A on the plus strand (AAG replaced by T on the coding strand, the reverse complement: PKHD1 is on the minus strand). VCF-style: chr6-51912377-CTT-A. GRCh37 (hg19) VCF-style: chr6-51777175-CTT-A.
Other names: c.6319_6321delinsT, p.Lys2107fs (NM_170724.3); short protein forms K2107fs.
Identifiers: ClinVar variation 1725185 (VCV001725185.2), dbSNP rs2536678715, ClinGen allele CA2580075491.